The following is an entry in ClinVar:

NM_006767.4(LZTR1):c.1531del (p.Val511fs)

Gene: LZTR1 (leucine zipper like post translational regulator 1; plus strand). Cytogenetic location: 22q11.21.
Variant type: Deletion.
Coding change: c.1531del on transcript NM_006767.4 (MANE Select); coding-DNA position 1531, one base deleted (G; older notation c.1531delG).
Protein change: p.Val511fs; shifts the reading frame from valine 511.
Molecular consequence: frameshift variant.
Genome position (GRCh38, 1-based): chr22:20,994,185, G deleted. VCF-style (leftmost placement, unchanged base first): chr22-20994184-CG-C. GRCh37 (hg19) VCF-style: chr22-21348473-CG-C.
Other names: short protein forms V511fs.
Identifiers: ClinVar variation 1427658 (VCV001427658.8), dbSNP rs771982640, ClinGen allele CA10118929.

ClinVar aggregate classification (germline): Pathogenic. Review status: criteria provided, multiple submitters, no conflicts (2 of 4 stars). 2 submissions from 2 submitters: Pathogenic (2). Last evaluated 2025-06-11.

Conditions:
Cardiovascular phenotype. Identifiers: MedGen CN230736.
Hereditary cancer-predisposing syndrome. Also called: Tumor predisposition; Hereditary neoplastic syndrome; Neoplastic Syndromes, Hereditary; Hereditary Cancer Syndrome. Identifiers: Orphanet 140162, MedGen C0027672, MeSH D009386, MONDO:0015356.

Allele frequency attached by ClinVar (database versions not stated): gnomAD exomes below 0.00001; ExAC 0.00001; TOPMed 0.00001.

Submissions (2):

Labcorp Genetics (formerly Invitae), Labcorp
Classification: Pathogenic. Last evaluated: 2025-06-11. Review status: criteria provided, single submitter. Criteria: Invitae Variant Classification Sherloc (09022015). Collection method: clinical testing. Allele origin: germline.
Comment: This sequence change creates a premature translational stop signal (p.Val511Trpfs*45) in the LZTR1 gene. It is expected to result in an absent or disrupted protein product. Loss-of-function variants in LZTR1 are known to be pathogenic (PMID: 24362817, 25335493, 25480913, 25795793, 29469822, 30368668, 30442762, 30442766, 30481304, 30859559). This variant is present in population databases (rs771982640, gnomAD 0.008%). This variant has not been reported in the literature in individuals affected with LZTR1-related conditions. ClinVar contains an entry for this variant (Variation ID: 1427658). For these reasons, this variant has been classified as Pathogenic.

Ambry Genetics
Classification: Pathogenic for Cardiovascular phenotype; Hereditary cancer-predisposing syndrome. Last evaluated: 2022-02-28. Review status: criteria provided, single submitter. Criteria: Ambry Variant Classification Scheme 2023. Collection method: clinical testing. Allele origin: germline.
Comment: The c.1531delG pathogenic mutation, located in coding exon 14 of the LZTR1 gene, results from a deletion of one nucleotide at nucleotide position 1531, causing a translational frameshift with a predicted alternate stop codon (p.V511Wfs*45). This alteration is expected to result in loss of function by premature protein truncation or nonsense-mediated mRNA decay. Loss-of-function variants in LZTR1 are related to an increased risk for schwannomas and autosomal recessive Noonan syndrome; however, such associations with autosomal dominant Noonan syndrome have not been observed (Piotrowski A et al. Nat Genet. 2014 Feb;46:182-7; Yamamoto GL et al. J Med Genet. 2015 Jun;52:413-21; Johnston JJ et al. Genet Med. 2018 10;20:1175-1185). Based on the supporting evidence, this variant is pathogenic for an increased risk of LZTR1-related schwannomatosis (SWN) and would be expected to cause autosomal recessive Noonan syndrome when present along with a second pathogenic or likely pathogenic variant on the other allele; however, the association of this alteration with autosomal dominant Noonan syndrome is unlikely.

Literature cited by the submitters: PubMed 24362817 (cited by Labcorp Genetics (formerly Invitae), Labcorp); PubMed 25335493 (cited by Labcorp Genetics (formerly Invitae), Labcorp); PubMed 25480913 (cited by Labcorp Genetics (formerly Invitae), Labcorp); PubMed 25795793 (cited by Labcorp Genetics (formerly Invitae), Labcorp); PubMed 29469822 (cited by Labcorp Genetics (formerly Invitae), Labcorp); PubMed 30368668 (cited by Labcorp Genetics (formerly Invitae), Labcorp); PubMed 30442762 (cited by Labcorp Genetics (formerly Invitae), Labcorp); PubMed 30442766 (cited by Labcorp Genetics (formerly Invitae), Labcorp); PubMed 30481304 (cited by Labcorp Genetics (formerly Invitae), Labcorp); PubMed 30859559 (cited by Labcorp Genetics (formerly Invitae), Labcorp).